The following is an entry in ClinVar:

NM_001939.3(DRP2):c.2274C>G (p.His758Gln)

Gene: DRP2 (dystrophin related protein 2; plus strand). Cytogenetic location: Xq22.1.
Variant type: single nucleotide variant.
Coding change: c.2274C>G on transcript NM_001939.3 (MANE Select); coding-DNA position 2274, C replaced by G.
Protein change: p.His758Gln; replaces histidine 758 with glutamine.
Molecular consequence: missense variant.
Genome position (GRCh38, 1-based): chrX:101,256,145, C>G. VCF-style: chrX-101256145-C-G. GRCh37 (hg19) VCF-style: chrX-100511134-C-G.
Other names: c.2040C>G, p.His680Gln (NM_001171184.2); short protein forms H680Q, H758Q.
Identifiers: ClinVar variation 2630586 (VCV002630586.1), dbSNP rs2520291080, ClinGen allele CA413908463.
Genomic context (GRCh38, chrX:101,256,145, plus strand): 5'-GTCACCTACTCTGCTTTCCCCACACCCATGCAGAGACGAGGACCAGTACCTGCTGCGGCA[C>G]TCCAGCCCCATCACAGACCGGGAGCCAGCCTTTGGACAGCAGGCTCCATGCAGTGTGGCC-3'
Protein context (NP_001930.2, residues 748-768): SIDEDQYLLR[His758Gln]SSPITDREPA

ClinVar aggregate classification (germline): Uncertain significance (1 of 4 stars; one submission).

Conditions:
DRP2-related disorder. Also called: DRP2-related condition.

Submission:

PreventionGenetics, part of Exact Sciences
Classification: Uncertain significance for DRP2-related condition. Last evaluated: 2023-02-15. Review status: criteria provided, single submitter. Criteria: ACMG Guidelines, 2015. Collection method: clinical testing. Allele origin: germline.
Comment: The DRP2 c.2274C>G variant is predicted to result in the amino acid substitution p.His758Gln. To our knowledge, this variant has not been reported in the literature or in a large population database, indicating this variant is rare. At this time, the clinical significance of this variant is uncertain due to the absence of conclusive functional and genetic evidence.